The following is an entry in ClinVar:

NM_003482.4(KMT2D):c.8314C>G (p.Leu2772Val)

Gene: KMT2D (lysine methyltransferase 2D; minus strand). Cytogenetic location: 12q13.12.
Variant type: single nucleotide variant.
Coding change: c.8314C>G on transcript NM_003482.4 (MANE Select); coding-DNA position 8314, C replaced by G.
Protein change: p.Leu2772Val; replaces leucine 2772 with valine.
Molecular consequence: missense variant.
Genome position (GRCh38, 1-based): chr12:49,039,274, G>C on the plus strand (C>G on the coding strand, the complement: KMT2D is on the minus strand). VCF-style: chr12-49039274-G-C. GRCh37 (hg19) VCF-style: chr12-49433057-G-C.
Other names: short protein forms L2772V.
Identifiers: ClinVar variation 4801228 (VCV004801228.1).

ClinVar aggregate classification (germline): Uncertain significance (1 of 4 stars; one submission).

Conditions:
Kabuki syndrome. Also called: NIIKAWA-KUROKI SYNDROME; Kabuki make-up syndrome. Identifiers: Orphanet 2322, MedGen C0796004, MONDO:0016512.

Submission:

Labcorp Genetics (formerly Invitae), Labcorp
Classification: Uncertain significance for Kabuki syndrome. Last evaluated: 2025-08-15. Review status: criteria provided, single submitter. Criteria: Invitae Variant Classification Sherloc (09022015). Collection method: clinical testing. Allele origin: germline.
Comment: This sequence change replaces leucine, which is neutral and non-polar, with valine, which is neutral and non-polar, at codon 2772 of the KMT2D protein (p.Leu2772Val). This variant is not present in population databases (gnomAD no frequency). This variant has not been reported in the literature in individuals affected with KMT2D-related conditions. Invitae Evidence Modeling of protein sequence and biophysical properties (such as structural, functional, and spatial information, amino acid conservation, physicochemical variation, residue mobility, and thermodynamic stability) has been performed for this missense variant. However, the output from this modeling did not meet the statistical confidence thresholds required to predict the impact of this variant on KMT2D protein function. In summary, the available evidence is currently insufficient to determine the role of this variant in disease. Therefore, it has been classified as a Variant of Uncertain Significance.